The following is an entry in ClinVar:

NM_017763.6(RNF43):c.1361G>A (p.Arg454His)

Gene: RNF43 (ring finger protein 43; minus strand). Cytogenetic location: 17q22.
Variant type: single nucleotide variant.
Coding change: c.1361G>A on transcript NM_017763.6 (MANE Select); coding-DNA position 1361, G replaced by A.
Protein change: p.Arg454His; replaces arginine 454 with histidine.
Molecular consequence: missense variant.
Genome position (GRCh38, 1-based): chr17:58,358,415, C>T on the plus strand (G>A on the coding strand, the complement: RNF43 is on the minus strand). VCF-style: chr17-58358415-C-T. GRCh37 (hg19) VCF-style: chr17-56435776-C-T.
Other names: c.1361G>A, p.Arg454His (NM_001305544.3); c.980G>A, p.Arg327His (NM_001305545.2); c.1361G>A (NM_017763.4); short protein forms R327H, R454H.
Identifiers: ClinVar variation 2678400 (VCV002678400.5), dbSNP rs202238403, ClinGen allele CA8673190.

ClinVar aggregate classification (germline): Conflicting classifications of pathogenicity. Review status: criteria provided, conflicting classifications (1 of 4 stars). 3 submissions from 3 submitters: Uncertain significance (2); Likely benign (1). Last evaluated 2026-02-02.

Conditions:
Sessile serrated polyposis cancer syndrome (SSPCS). Identifiers: Orphanet 157798, MedGen C4310714, MONDO:0014919, OMIM 617108.

Allele frequency attached by ClinVar (database versions not stated): ExAC 0.00002; ESP Exome Variant Server 0.00008; 1000 Genomes Project 30x 0.00016; 1000 Genomes Project 0.00020; gnomAD 0.00001; TOPMed 0.00001.

Submissions (3):

Ambry Genetics
Classification: Likely benign. Last evaluated: 2026-02-02. Review status: criteria provided, single submitter. Criteria: Ambry Variant Classification Scheme 2023. Collection method: clinical testing. Allele origin: germline.

Labcorp Genetics (formerly Invitae), Labcorp
Classification: Uncertain significance. Last evaluated: 2023-12-27. Review status: criteria provided, single submitter. Criteria: Invitae Variant Classification Sherloc (09022015). Collection method: clinical testing. Allele origin: germline.
Comment: This sequence change replaces arginine, which is basic and polar, with histidine, which is basic and polar, at codon 454 of the RNF43 protein (p.Arg454His). This variant is present in population databases (rs202238403, gnomAD 0.006%). This variant has not been reported in the literature in individuals affected with RNF43-related conditions. Algorithms developed to predict the effect of missense changes on protein structure and function output the following: SIFT: "Not Available"; PolyPhen-2: "Benign"; Align-GVGD: "Not Available". The histidine amino acid residue is found in multiple mammalian species, which suggests that this missense change does not adversely affect protein function. In summary, the available evidence is currently insufficient to determine the role of this variant in disease. Therefore, it has been classified as a Variant of Uncertain Significance.

Baylor Genetics
Classification: Uncertain significance for Sessile serrated polyposis cancer syndrome. Last evaluated: 2023-09-21. Review status: criteria provided, single submitter. Criteria: ACMG Guidelines, 2015. Collection method: clinical testing. Allele origin: unknown.